The following is an entry in ClinVar:

NM_003922.4(HERC1):c.8680+7T>C

Gene: HERC1 (HECT and RLD domain containing E3 ubiquitin protein ligase family member 1; minus strand). Cytogenetic location: 15q22.31.
Variant type: single nucleotide variant.
Coding change: c.8680+7T>C on transcript NM_003922.4 (MANE Select); 7 bases into the intron after coding-DNA position 8680, T replaced by C.
Molecular consequence: intron variant.
Genome position (GRCh38, 1-based): chr15:63,664,463, A>G on the plus strand (T>C on the coding strand, the complement: HERC1 is on the minus strand). VCF-style: chr15-63664463-A-G. GRCh37 (hg19) VCF-style: chr15-63956662-A-G.
Identifiers: ClinVar variation 3027203 (VCV003027203.22), dbSNP rs2152941504, ClinGen allele CA2740096722.

ClinVar aggregate classification (germline): Uncertain significance (1 of 4 stars; one submission).

Submission:

CeGaT Center for Human Genetics Tuebingen
Classification: Uncertain significance. Last evaluated: 2024-02-01. Review status: criteria provided, single submitter. Criteria: CeGaT Center For Human Genetics Tuebingen Variant Classification Criteria Version 2. Collection method: clinical testing. Allele origin: germline. Affected: yes. Observed: 1 variant allele.
Comment: HERC1: PM2, BP4